The following is an entry in ClinVar:

ClinVar aggregate classification (germline): Likely pathogenic (1 of 4 stars; one submission).

Submission:

Labcorp Genetics (formerly Invitae), Labcorp
Classification: Likely pathogenic. Last evaluated: 2025-03-12. Review status: criteria provided, single submitter. Criteria: Invitae Variant Classification Sherloc (09022015). Collection method: clinical testing. Allele origin: germline.
Comment: This sequence change replaces glutamic acid, which is acidic and polar, with glycine, which is neutral and non-polar, at codon 497 of the ITPR1 protein (p.Glu497Gly). This variant is not present in population databases (gnomAD no frequency). This variant has not been reported in the literature in individuals affected with ITPR1-related conditions. Invitae Evidence Modeling of protein sequence and biophysical properties (such as structural, functional, and spatial information, amino acid conservation, physicochemical variation, residue mobility, and thermodynamic stability) indicates that this missense variant is expected to disrupt ITPR1 protein function with a positive predictive value of 95%. This variant disrupts the p.Glu497 amino acid residue in ITPR1. Other variant(s) that disrupt this residue have been determined to be pathogenic (PMID: 27062503). This suggests that this residue is clinically significant, and that variants that disrupt this residue are likely to be disease-causing. In summary, the currently available evidence indicates that the variant is pathogenic, but additional data are needed to prove that conclusively. Therefore, this variant has been classified as Likely Pathogenic.

Literature cited by the submitters: PubMed 27062503.

NM_001378452.1(ITPR1):c.1535A>G (p.Glu512Gly)

Gene: ITPR1 (inositol 1,4,5-trisphosphate receptor type 1; plus strand). Cytogenetic location: 3p26.1.
Variant type: single nucleotide variant.
Coding change: c.1535A>G on transcript NM_001378452.1 (MANE Select); coding-DNA position 1535, A replaced by G.
Protein change: p.Glu512Gly; replaces glutamic acid 512 with glycine.
Molecular consequence: missense variant.
Genome position (GRCh38, 1-based): chr3:4,663,187, A>G. VCF-style: chr3-4663187-A-G. GRCh37 (hg19) VCF-style: chr3-4704871-A-G.
Other names: c.1535A>G, p.Glu512Gly (NM_001099952.4); c.1490A>G, p.Glu497Gly (NM_001168272.2, NM_002222.7); short protein forms E512G, E497G.
Identifiers: ClinVar variation 4746322 (VCV004746322.1).